The following is an entry in ClinVar:

ClinVar aggregate classification (germline): Uncertain significance (1 of 4 stars; one submission).

Allele frequency attached by ClinVar (database versions not stated): gnomAD 0.00002.

Submission:

Labcorp Genetics (formerly Invitae), Labcorp
Classification: Uncertain significance. Last evaluated: 2025-05-18. Review status: criteria provided, single submitter. Criteria: Invitae Variant Classification Sherloc (09022015). Collection method: clinical testing. Allele origin: germline.
Comment: This sequence change replaces alanine, which is neutral and non-polar, with valine, which is neutral and non-polar, at codon 267 of the TNFRSF6B protein (p.Ala267Val). The frequency data for this variant in the population databases is considered unreliable, as metrics indicate poor data quality at this position in the gnomAD database. This variant has not been reported in the literature in individuals affected with TNFRSF6B-related conditions. ClinVar contains an entry for this variant (Variation ID: 2980155). An algorithm developed to predict the effect of missense changes on protein structure and function outputs the following: PolyPhen-2: "Benign". The valine amino acid residue is found in multiple mammalian species, which suggests that this missense change does not adversely affect protein function. In summary, the available evidence is currently insufficient to determine the role of this variant in disease. Therefore, it has been classified as a Variant of Uncertain Significance.

NM_003823.4(TNFRSF6B):c.800C>T (p.Ala267Val)

Genes: RTEL1-TNFRSF6B (RTEL1-TNFRSF6B readthrough (NMD candidate); plus strand), TNFRSF6B (TNF receptor superfamily member 6b; plus strand). Cytogenetic location: 20q13.33.
Variant type: single nucleotide variant.
Coding change: c.800C>T on transcript NM_003823.4 (MANE Select); coding-DNA position 800, C replaced by T.
Protein change: p.Ala267Val; replaces alanine 267 with valine.
Molecular consequence: missense variant. On other transcripts: non-coding transcript variant (1).
Genome position (GRCh38, 1-based): chr20:63,698,460, C>T. VCF-style: chr20-63698460-C-T. GRCh37 (hg19) VCF-style: chr20-62329813-C-T.
Other names: short protein forms A267V.
Identifiers: ClinVar variation 2980155 (VCV002980155.3), dbSNP rs1041805018, ClinGen allele CA317536331.